The following is an entry in ClinVar:

NM_014264.5(PLK4):c.2894C>T (p.Pro965Leu)

Gene: PLK4 (polo like kinase 4; plus strand). Cytogenetic location: 4q28.1.
Variant type: single nucleotide variant.
Coding change: c.2894C>T on transcript NM_014264.5 (MANE Select); coding-DNA position 2894, C replaced by T.
Protein change: p.Pro965Leu; replaces proline 965 with leucine.
Molecular consequence: missense variant.
Genome position (GRCh38, 1-based): chr4:127,898,522, C>T. VCF-style: chr4-127898522-C-T. GRCh37 (hg19) VCF-style: chr4-128819677-C-T.
Other names: c.2798C>T, p.Pro933Leu (NM_001190799.2); c.2771C>T, p.Pro924Leu (NM_001190801.2); short protein forms P924L, P965L, P933L.
Identifiers: ClinVar variation 1510007 (VCV001510007.3), dbSNP rs770530003, ClinGen allele CA3077192.

ClinVar aggregate classification (germline): Uncertain significance (1 of 4 stars; one submission).

Allele frequency attached by ClinVar (database versions not stated): gnomAD 0.00001; gnomAD exomes 0.00002 and 0.00005; TOPMed 0.00002; ExAC 0.00005.
gnomAD v4.1: 34 of 1,521,120 alleles (0.0022%); highest among the groups gnomAD compares: East Asian, 0.0045%; no homozygotes.

Submission:

Labcorp Genetics (formerly Invitae), Labcorp
Classification: Uncertain significance. Last evaluated: 2022-06-14. Review status: criteria provided, single submitter. Criteria: Invitae Variant Classification Sherloc (09022015). Collection method: clinical testing. Allele origin: germline.
Comment: This sequence change replaces proline, which is neutral and non-polar, with leucine, which is neutral and non-polar, at codon 965 of the PLK4 protein (p.Pro965Leu). This variant is present in population databases (rs770530003, gnomAD 0.01%). This variant has not been reported in the literature in individuals affected with PLK4-related conditions. Algorithms developed to predict the effect of missense changes on protein structure and function are either unavailable or do not agree on the potential impact of this missense change (SIFT: "Deleterious"; PolyPhen-2: "Benign"; Align-GVGD: "Class C0"). In summary, the available evidence is currently insufficient to determine the role of this variant in disease. Therefore, it has been classified as a Variant of Uncertain Significance.